The following is an entry in ClinVar:

ClinVar aggregate classification (germline): Uncertain significance (1 of 4 stars; one submission).

Conditions:
Glanzmann thrombasthenia. Also called: BLEEDING DISORDER, PLATELET-TYPE, 2; THROMBASTHENIA OF GLANZMANN AND NAEGELI; PLATELET GLYCOPROTEIN IIb-IIIa DEFICIENCY; Glanzmann's thrombasthenia; Thrombasthenia. Identifiers: Orphanet 849, MedGen C0040015, MONDO:0100326.

Submission:

Labcorp Genetics (formerly Invitae), Labcorp
Classification: Uncertain significance for Glanzmann thrombasthenia. Last evaluated: 2025-03-30. Review status: criteria provided, single submitter. Criteria: Invitae Variant Classification Sherloc (09022015). Collection method: clinical testing. Allele origin: germline.
Comment: This sequence change replaces proline, which is neutral and non-polar, with serine, which is neutral and polar, at codon 653 of the ITGA2B protein (p.Pro653Ser). This variant is not present in population databases (gnomAD no frequency). This variant has not been reported in the literature in individuals affected with ITGA2B-related conditions. Invitae Evidence Modeling of protein sequence and biophysical properties (such as structural, functional, and spatial information, amino acid conservation, physicochemical variation, residue mobility, and thermodynamic stability) indicates that this missense variant is expected to disrupt ITGA2B protein function with a positive predictive value of 95%. In summary, the available evidence is currently insufficient to determine the role of this variant in disease. Therefore, it has been classified as a Variant of Uncertain Significance.

NM_000419.5(ITGA2B):c.1957C>T (p.Pro653Ser)

Gene: ITGA2B (integrin subunit alpha 2b; minus strand). Cytogenetic location: 17q21.31.
Variant type: single nucleotide variant.
Coding change: c.1957C>T on transcript NM_000419.5 (MANE Select); coding-DNA position 1957, C replaced by T.
Protein change: p.Pro653Ser; replaces proline 653 with serine.
Molecular consequence: missense variant.
Genome position (GRCh38, 1-based): chr17:44,378,499, G>A on the plus strand (C>T on the coding strand, the complement: ITGA2B is on the minus strand). VCF-style: chr17-44378499-G-A. GRCh37 (hg19) VCF-style: chr17-42455867-G-A.
Other names: short protein forms P653S.
Identifiers: ClinVar variation 4747519 (VCV004747519.1).